The following is an entry in ClinVar:

ClinVar aggregate classification (germline): Benign (1 of 4 stars; one submission).

Conditions:
Collagen 6-related myopathy. Identifiers: MedGen CN117976, MONDO:0100225.

Allele frequency attached by ClinVar (database versions not stated): gnomAD 0.00006; TOPMed 0.00006; 1000 Genomes Project 30x 0.00047; 1000 Genomes Project 0.00060.
gnomAD v4.1: 212 of 1,169,930 alleles (0.018%); highest among the groups gnomAD compares: South Asian, 0.19%; no homozygotes.

Submission:

Illumina Laboratory Services, Illumina
Classification: Benign for Collagen VI-related myopathy. Last evaluated: 2018-01-13. Review status: criteria provided, single submitter. Criteria: ICSL Variant Classification Criteria 13 December 2019. Collection method: clinical testing. Allele origin: germline.
Comment: This variant was observed in the ICSL laboratory as part of a predisposition screen in an ostensibly healthy population. It had not been previously curated by ICSL or reported in the Human Gene Mutation Database (HGMD: prior to June 1st, 2018), and was therefore a candidate for classification through an automated scoring system. Utilizing variant allele frequency, disease prevalence and penetrance estimates, and inheritance mode, an automated score was calculated to assess if this variant is too frequent to cause the disease. Based on the score and internal cut-off values, a variant classified as benign is not then subjected to further curation. The score for this variant resulted in a classification of benign for this disease.

NM_001849.4(COL6A2):c.*105C>T

Gene: COL6A2 (collagen type VI alpha 2 chain; plus strand). Cytogenetic location: 21q22.3.
Variant type: single nucleotide variant.
Coding change: c.*105C>T on transcript NM_001849.4 (MANE Select); 105 bases downstream of the stop codon, C replaced by T.
Molecular consequence: 3 prime UTR variant.
Genome position (GRCh38, 1-based): chr21:46,132,657, C>T. VCF-style: chr21-46132657-C-T. GRCh37 (hg19) VCF-style: chr21-47552571-C-T.
Identifiers: ClinVar variation 340396 (VCV000340396.6), dbSNP rs538537601, ClinGen allele CA10644898.
Genomic context (GRCh38, chr21:46,132,657, plus strand): 5'-GTCCATGGTGCTAAGCGGGCCCGGGTCCCACACGGCCAGCACCGCTGCTCACTCGGACGA[C>T]GCCCTGGGCCTGCACCTCTCCAGCTCCTCCCACGGGGTCCCCGTAGCCCCGGCCCCCGCC-3'